The following is an entry in ClinVar:

NM_019892.6(INPP5E):c.1770C>T (p.Leu590=)

Gene: INPP5E (inositol polyphosphate-5-phosphatase E; minus strand). Cytogenetic location: 9q34.3.
Variant type: single nucleotide variant.
Coding change: c.1770C>T on transcript NM_019892.6 (MANE Select); coding-DNA position 1770, C replaced by T.
Protein change: p.Leu590=; no amino-acid change (leucine 590 retained).
Molecular consequence: synonymous variant.
Genome position (GRCh38, 1-based): chr9:136,430,309, G>A on the plus strand (C>T on the coding strand, the complement: INPP5E is on the minus strand). VCF-style: chr9-136430309-G-A. GRCh37 (hg19) VCF-style: chr9-139324761-G-A.
Other names: p.Leu590=; c.1767C>T, p.Leu589= (NM_001318502.2).
Identifiers: ClinVar variation 129269 (VCV000129269.19), dbSNP rs143552175, ClinGen allele CA153162.

ClinVar aggregate classification (germline): Benign/Likely benign. Review status: criteria provided, multiple submitters, no conflicts (2 of 4 stars). 5 submissions from 5 submitters: Benign (3); Likely benign (2). Last evaluated 2026-01-31.

Conditions:
Joubert syndrome. Also called: CEREBELLOPARENCHYMAL DISORDER IV; Familial aplasia of the vermis; JOUBERT-BOLTSHAUSER SYNDROME. Identifiers: Orphanet 475, MedGen C5979921, MONDO:0018772.

Allele frequency attached by ClinVar (database versions not stated): gnomAD exomes 0.00051 and 0.00138; ExAC 0.00285; 1000 Genomes Project 0.00559; 1000 Genomes Project 30x 0.00625; ESP Exome Variant Server 0.00628; gnomAD 0.00685; TOPMed 0.00714.
gnomAD v4.1: 1,714 of 1,551,804 alleles (0.11%); highest among the groups gnomAD compares: African/African-American, 2%; 17 homozygotes.

Submissions (5):

Labcorp Genetics (formerly Invitae), Labcorp
Classification: Benign for Joubert syndrome. Last evaluated: 2026-01-31. Review status: criteria provided, single submitter. Criteria: Invitae Variant Classification Sherloc (09022015). Collection method: clinical testing. Allele origin: germline.

Mayo Clinic Laboratories, Mayo Clinic
Classification: Benign. Last evaluated: 2025-10-15. Review status: criteria provided, single submitter. Criteria: ACMG Guidelines, 2015. Collection method: clinical testing. Allele origin: germline. Observed: 2 variant alleles.
Comment: BS1, BS2, BP4, BP7

GeneDx
Classification: Benign. Last evaluated: 2016-06-17. Review status: criteria provided, single submitter. Criteria: GeneDx Variant Classification (06012015). Collection method: clinical testing. Allele origin: germline. Affected: yes.
Comment: This variant is considered likely benign or benign based on one or more of the following criteria: it is a conservative change, it occurs at a poorly conserved position in the protein, it is predicted to be benign by multiple in silico algorithms, and/or has population frequency not consistent with disease.

Genetic Services Laboratory, University of Chicago
Classification: Likely benign for AllHighlyPenetrant. Last evaluated: 2013-09-16. Review status: criteria provided, single submitter. Criteria: ACMG Guidelines, 2007. Collection method: clinical testing. Allele origin: germline. Inheritance: Autosomal recessive inheritance.

Breakthrough Genomics
Classification: Likely benign. Review status: criteria provided, single submitter. Criteria: ACMG Guidelines, 2015. Collection method: not provided. Allele origin: germline. Inheritance: Autosomal recessive inheritance. Affected: yes.